The following is an entry in ClinVar:

ClinVar aggregate classification (germline): Uncertain significance. Review status: criteria provided, multiple submitters, no conflicts (2 of 4 stars). 2 submissions from 2 submitters: Uncertain significance (2). Last evaluated 2024-11-25.

Conditions:
CEP290-related disorder. Also called: CEP290-related condition; CEP290-related disorders. Identifiers: MedGen CN239314.

gnomAD v4.1: 1 of 1,363,716 alleles (0.000073%); highest among the groups gnomAD compares: Non-Finnish European, 0.000095%; no homozygotes.

Submissions (2):

PreventionGenetics, part of Exact Sciences
Classification: Uncertain significance for CEP290-related condition. Last evaluated: 2024-11-25. Review status: criteria provided, single submitter. Criteria: ACMG Guidelines, 2015. Collection method: clinical testing. Allele origin: germline.
Comment: The CEP290 c.3575C>G variant is predicted to result in the amino acid substitution p.Ala1192Gly. To our knowledge, this variant has not been reported in the literature or in a large population database, indicating this variant is rare. At this time, the clinical significance of this variant is uncertain due to the absence of conclusive functional and genetic evidence.

Blueprint Genetics
Classification: Uncertain significance. Last evaluated: 2022-06-23. Review status: criteria provided, single submitter. Criteria: ACMG Guidelines, 2015. Collection method: clinical testing. Allele origin: germline.

NM_025114.4(CEP290):c.3575C>G (p.Ala1192Gly)

Gene: CEP290 (centrosomal protein 290; minus strand). Cytogenetic location: 12q21.32.
Variant type: single nucleotide variant.
Coding change: c.3575C>G on transcript NM_025114.4 (MANE Select); coding-DNA position 3575, C replaced by G.
Protein change: p.Ala1192Gly; replaces alanine 1192 with glycine.
Molecular consequence: missense variant.
Genome position (GRCh38, 1-based): chr12:88,089,486, G>C on the plus strand (C>G on the coding strand, the complement: CEP290 is on the minus strand). VCF-style: chr12-88089486-G-C. GRCh37 (hg19) VCF-style: chr12-88483263-G-C.
Other names: short protein forms A1192G.
Identifiers: ClinVar variation 3346192 (VCV003346192.3).